The following is an entry in ClinVar:

NM_000784.4(CYP27A1):c.1435C>G (p.Arg479Gly)

Gene: CYP27A1 (cytochrome P450 family 27 subfamily A member 1; plus strand). Cytogenetic location: 2q35.
Variant type: single nucleotide variant.
Coding change: c.1435C>G on transcript NM_000784.4 (MANE Select); coding-DNA position 1435, C replaced by G.
Protein change: p.Arg479Gly; replaces arginine 479 with glycine.
Molecular consequence: missense variant.
Genome position (GRCh38, 1-based): chr2:218,814,716, C>G. VCF-style: chr2-218814716-C-G. GRCh37 (hg19) VCF-style: chr2-219679439-C-G.
Other names: c.1435C>G; short protein forms R479G.
Identifiers: ClinVar variation 4267 (VCV000004267.34), dbSNP rs72551322, ClinGen allele CA340223.

ClinVar aggregate classification (germline): Conflicting classifications of pathogenicity. Review status: criteria provided, conflicting classifications (1 of 4 stars). 14 submissions from 14 submitters: Pathogenic (4); Likely pathogenic (5); Uncertain significance (1). 4 of the submissions do not count toward it. Last evaluated 2026-01-25.

Conditions:
CYP27A1-related disorder. Also called: CYP27A1-related condition.
Cholestanol storage disease (CTX). Also called: CTX: Cerebrotendinous xanthomatosis; CEREBRAL CHOLESTERINOSIS; Cerebrotendinous Xanthomatosis. Identifiers: Orphanet 909, MedGen C0238052, MONDO:0008948, OMIM 213700.

Allele frequency attached by ClinVar (database versions not stated): TOPMed 0.00003.
gnomAD v4.1: 41 of 1,614,026 alleles (0.0025%); highest among the groups gnomAD compares: Admixed American, 0.0033%; no homozygotes.

Submissions (14):

Labcorp Genetics (formerly Invitae), Labcorp
Classification: Pathogenic for Cholestanol storage disease. Last evaluated: 2026-01-25. Review status: criteria provided, single submitter. Criteria: Invitae Variant Classification Sherloc (09022015). Collection method: clinical testing. Allele origin: germline.
Comment: This sequence change replaces arginine, which is basic and polar, with glycine, which is neutral and non-polar, at codon 479 of the CYP27A1 protein (p.Arg479Gly). This variant is present in population databases (rs72551322, gnomAD 0.003%). This missense change has been observed in individual(s) with clinical features of cerebrotendinous xanthomatosis (PMID: 16278884, 25112387). In at least one individual the data is consistent with being in trans (on the opposite chromosome) from a pathogenic variant. ClinVar contains an entry for this variant (Variation ID: 4267). Invitae Evidence Modeling of protein sequence and biophysical properties (such as structural, functional, and spatial information, amino acid conservation, physicochemical variation, residue mobility, and thermodynamic stability) indicates that this missense variant is expected to disrupt CYP27A1 protein function with a positive predictive value of 95%. This variant disrupts the p.Arg479 amino acid residue in CYP27A1. Other variant(s) that disrupt this residue have been determined to be pathogenic (PMID: 2019602, 21073839, 24584636). This suggests that this residue is clinically significant, and that variants that disrupt this residue are likely to be disease-causing. For these reasons, this variant has been classified as Pathogenic.

Natera, Inc.
Classification: Likely pathogenic for Cerebrotendinous xanthomatosis. Last evaluated: 2025-12-31. Review status: criteria provided, single submitter. Criteria: Natera Variant Classification Schema (03/2026). Collection method: clinical testing. Allele origin: germline.
Comment: The c.1435C>G variant in CYP27A1 is a missense variant predicted to cause substitution of arginine to glycine at amino acid 479. This variant is rare in the general population with a frequency below the threshold expected for the associated phenotype(s). This variant has been observed in one or more individuals affected with the associated recessive disease, as either homozygous or compound heterozygous with a second variant (PMID: 38785530, 21764626, 27225395, 16278884, 25112387). A different variant at the same position has been determined to be Pathogenic or Likely Pathogenic. Computational prediction algorithms indicate this variant is likely to affect gene or protein function. Given the available evidence, this variant is classified as Likely Pathogenic.

CeGaT Center for Human Genetics Tuebingen
Classification: Likely pathogenic. Last evaluated: 2025-11-01. Review status: criteria provided, single submitter. Criteria: CeGaT Center For Human Genetics Tuebingen Variant Classification Criteria Version 2. Collection method: clinical testing. Allele origin: germline. Affected: yes. Observed: 1 variant allele.
Comment: CYP27A1: PM3:Strong, PM2, PM5

PreventionGenetics, part of Exact Sciences
Classification: Likely pathogenic for CYP27A1-related condition. Last evaluated: 2025-09-26. Review status: criteria provided, single submitter. Criteria: ACMG Guidelines, 2015. Collection method: clinical testing. Allele origin: germline.
Comment: The CYP27A1 c.1435C>G variant is predicted to result in the amino acid substitution p.Arg479Gly. This variant, in the compound heterozygous state with another pathogenic variant, has been reported in individuals with cerebrotendinous xanthomatosis with or without parkinsonism (Guyant-Maréchal et al. 2005. PubMed ID: 16278884; Mignarri et al. 2012. PubMed ID: 21764626; Saute et al. 2015. PubMed ID: 25112387). This variant in the homozygous state has also been reported in a patient with tendon xanthomas without neurological symptoms (Di Taranto et al. 2016. PubMed ID: 27225395). This variant is reported in 0.0028% of alleles in individuals of Latino descent in gnomAD. Taken together, this variant is classified as likely pathogenic.

Fulgent Genetics
Classification: Likely pathogenic for Cholestanol storage disease. Last evaluated: 2024-03-21. Review status: criteria provided, single submitter. Criteria: ACMG Guidelines, 2015. Collection method: clinical testing. Allele origin: germline.

Women's Health and Genetics/Laboratory Corporation of America, LabCorp
Classification: Pathogenic for Cholestanol storage disease. Last evaluated: 2024-02-14. Review status: criteria provided, single submitter. Criteria: LabCorp Variant Classification Summary - May 2015. Collection method: clinical testing. Allele origin: germline.
Comment: Variant summary: CYP27A1 c.1435C>G (p.Arg479Gly) results in a non-conservative amino acid change in the encoded protein sequence. Five of five in-silico tools predict a damaging effect of the variant on protein function. The variant allele was found at a frequency of 1.2e-05 in 250796 control chromosomes. c.1435C>G has been reported in the literature in homozygous or compound heterozygous individuals or heterozygous individual without a reported second variant, all affected with Cerebrotendinous Xanthomatosis (e.g. Guyant-Marechal_2005, Mignarri_2012, Saute_2015, Di Taranto_2016, Fussinger_2022). These data indicate that the variant is likely to be associated with disease. A different variant located at the same codon (c.1435C>T, p.Arg479Cys) has been classified as pathogenic by our lab, with ClinVar providing additional pathogenic classifications for variants at this position, supporting a critical relevance of this residue to CYP27A1 protein function. To our knowledge, no experimental evidence demonstrating an impact on protein function has been reported. The following publications have been ascertained in the context of this evaluation (PMID: 33830582, 27225395, 16278884, 21764626, 25112387, 36537231). ClinVar contains an entry for this variant (Variation ID: 4267). Based on the evidence outlined above, the variant was classified as pathogenic.

Revvity Omics, Revvity
Classification: Likely pathogenic for Cholestanol storage disease. Last evaluated: 2023-05-19. Review status: criteria provided, single submitter. Criteria: ACMG Guidelines, 2015. Collection method: clinical testing. Allele origin: germline.

Blueprint Genetics
Classification: Pathogenic for CYP27A1-related disorders. Last evaluated: 2022-10-20. Review status: criteria provided, single submitter. Criteria: ACMG Guidelines, 2015. Collection method: clinical testing. Allele origin: germline. Affected: yes. Observed: 2 variant alleles.

GeneDx
Classification: Pathogenic. Last evaluated: 2022-02-11. Review status: criteria provided, single submitter. Criteria: GeneDx Variant Classification Process June 2021. Collection method: clinical testing. Allele origin: germline. Affected: yes.
Comment: In silico analysis supports that this missense variant has a deleterious effect on protein structure/function; Not observed at a significant frequency in large population cohorts (gnomAD); This variant is associated with the following publications: (PMID: 32344004, 22878431, 25112387, 23115103, 16278884, 27225395, 16816916, 26643207, 33830582, 21764626)

Eurofins Ntd Llc (ga)
Classification: Uncertain significance. Last evaluated: 2017-05-08. Review status: criteria provided, single submitter. Criteria: EGL Classification Definitions 2015. Collection method: clinical testing. Allele origin: germline. Observed: 1 variant allele, 1 heterozygote.

Counsyl
Classification: Likely pathogenic for Cholestanol storage disease. Last evaluated: 2018-05-09. Review status: no assertion criteria provided. Collection method: clinical testing. Allele origin: unknown. Not counted in ClinVar's aggregate classification.

GeneReviews
Classification: Pathogenic for Cerebrotendinous Xanthomatosis. Last evaluated: 2013-08-01. Review status: no assertion criteria provided. Collection method: curation. Allele origin: unknown. Not counted in ClinVar's aggregate classification.
ClinVar note: Converted during submission from pathologic to Pathogenic.

OMIM
Classification: Pathogenic for CEREBROTENDINOUS XANTHOMATOSIS. Last evaluated: 2005-12-01. Review status: no assertion criteria provided. Collection method: literature only. Allele origin: germline. Not counted in ClinVar's aggregate classification.

Department of Pathology and Laboratory Medicine, Sinai Health System
Classification: Likely pathogenic. Review status: no assertion criteria provided. Collection method: clinical testing. Allele origin: unknown. Affected: yes. Study: The Canadian Open Genetics Repository (COGR). Not counted in ClinVar's aggregate classification.
Comment: The CYP27A1 p.Arg479Gly variant was not identified in the literature nor was it identified in Cosmic or LOVD 3.0. The variant was identified in dbSNP (ID: rs72551322) as â€šÃ„ÃºWith Pathogenic alleleâ€šÃ„Ã¹. The variant was identified in ClinVar with conflicting interpretations of pathogenicity, with submissions of likely pathogenic (Counsyl), pathogenic (OMIM and GeneReviews), and uncertain significance (EGL Genetics Diagnostics). The associated condition is cholesterol storage disease. The variant was identified in control databases in 4 of 282188 chromosomes at a frequency of 0.000014 (Genome Aggregation Database Feb 27, 2017). The variant was observed in the following populations: Latino in 1 of 35424 chromosomes (freq: 0.000028) and European (non-Finnish) in 3 of 128792 chromosomes (freq: 0.000023); it was not observed in the African, Ashkenazi Jewish, East Asian, European (Finnish), Other, and South Asian populations. This variant was identified as a causal homozygous variant in a patient with Cerebrotendinous xanthomatosis and was identified in another case study in the compound heterozygous state in a patient with unusual Cerebrotendinous xanthomatosis with fronto-temporal dementia (Di Taranto_2016_PMID:27225395; Guyant-Marechal_2005_PMID:16278884). The variant occurs outside of the splicing consensus sequence and four out of four in silico or computational prediction software programs (SpliceSiteFinder, MaxEntScan, NNSPLICE, and GeneSplicer) do not predict a greater than 10% difference in splicing. The p.Arg479 residue is conserved in mammals but not more distantly related organisms and four out of five computational analyses (PolyPhen-2, SIFT, BLOSUM, and MutationTaster) suggest that the variant may impact the protein. In summary, based on the above information the clinical significance of this variant cannot be determined with certainty at this time although we would lean towards a more pathogenic role for this variant. This variant is classified as likely pathogenic.

Literature cited by the submitters: PubMed 16278884 (cited by 6 submitters); PubMed 25112387 (cited by 4 submitters); PubMed 2019602 (cited by Labcorp Genetics (formerly Invitae), Labcorp); PubMed 21073839 (cited by Labcorp Genetics (formerly Invitae), Labcorp); PubMed 24584636 (cited by Labcorp Genetics (formerly Invitae), Labcorp); PubMed 38785530 (cited by Natera, Inc.); PubMed 21764626 (cited by 3 submitters); PubMed 27225395 (cited by 3 submitters); PubMed 33830582 (cited by Women's Health and Genetics/Laboratory Corporation of America, LabCorp); PubMed 36537231 (cited by Women's Health and Genetics/Laboratory Corporation of America, LabCorp).